The following is an entry in ClinVar:

NM_015848.4(KRT76):c.826G>T (p.Glu276Ter)

Gene: KRT76 (keratin 76; minus strand). Cytogenetic location: 12q13.13.
Variant type: single nucleotide variant.
Coding change: c.826G>T on transcript NM_015848.4 (MANE Select); coding-DNA position 826, G replaced by T.
Protein change: p.Glu276Ter; replaces glutamic acid 276 with a stop codon.
Molecular consequence: nonsense.
Genome position (GRCh38, 1-based): chr12:52,773,632, C>A on the plus strand (G>T on the coding strand, the complement: KRT76 is on the minus strand). VCF-style: chr12-52773632-C-A. GRCh37 (hg19) VCF-style: chr12-53167416-C-A.
Other names: short protein forms E276*.
Identifiers: ClinVar variation 4820713 (VCV004820713.4).

ClinVar aggregate classification (germline): Likely benign (1 of 4 stars; one submission).

gnomAD v4.1: 13,750 of 1,613,018 alleles (0.85%); highest among the groups gnomAD compares: Middle Eastern, 1.2%; 82 homozygotes.

Submission:

CeGaT Center for Human Genetics Tuebingen
Classification: Likely benign. Last evaluated: 2026-02-01. Review status: criteria provided, single submitter. Criteria: CeGaT Center For Human Genetics Tuebingen Variant Classification Criteria Version 2. Collection method: clinical testing. Allele origin: germline. Affected: yes. Observed: 2 variant alleles.
Comment: KRT76: BS2